The following is an entry in ClinVar:

ClinVar aggregate classification (germline): Uncertain significance (1 of 4 stars; one submission).

Conditions:
Inborn genetic diseases. Identifiers: MedGen C0950123, MeSH D030342.

Submission:

Ambry Genetics
Classification: Uncertain significance for Inborn genetic diseases. Last evaluated: 2023-04-07. Review status: criteria provided, single submitter. Criteria: Ambry Variant Classification Scheme 2023. Collection method: clinical testing. Allele origin: germline.
Comment: The p.H522L variant (also known as c.1565A>T), located in coding exon 7 of the ATR gene, results from an A to T substitution at nucleotide position 1565. The histidine at codon 522 is replaced by leucine, an amino acid with similar properties. This amino acid position is conserved. In addition, this alteration is predicted to be tolerated by in silico analysis. Since supporting evidence is limited at this time, the clinical significance of this alteration remains unclear.

NM_001184.4(ATR):c.1565A>T (p.His522Leu)

Gene: ATR (ATR checkpoint kinase; minus strand). Cytogenetic location: 3q23.
Variant type: single nucleotide variant.
Coding change: c.1565A>T on transcript NM_001184.4 (MANE Select); coding-DNA position 1565, A replaced by T.
Protein change: p.His522Leu; replaces histidine 522 with leucine.
Molecular consequence: missense variant.
Genome position (GRCh38, 1-based): chr3:142,559,418, T>A on the plus strand (A>T on the coding strand, the complement: ATR is on the minus strand). VCF-style: chr3-142559418-T-A. GRCh37 (hg19) VCF-style: chr3-142278260-T-A.
Other names: c.1373A>T, p.His458Leu (NM_001354579.2); short protein forms H458L, H522L.
Identifiers: ClinVar variation 2561372 (VCV002561372.2), dbSNP rs778745928, ClinGen allele CA354822439.
Genomic context (GRCh38, chr3:142,559,418, plus strand): 5'-TTTGTGTAAAAATCCAATGACATCCAAGTTATCACTACAGAAGGTTTCTTCTTGGATTTA[T>A]GTTGACAGTCCTTGAAAGTACGGCTGCAGTAAGTACATTTTGTTAAAAACATTGGAATTA-3'
Protein context (NP_001175.2, residues 512-532): MNCRTFKDCQ[His522Leu]KSKKKPSVVI